The following is an entry in ClinVar:

ClinVar aggregate classification (germline): Uncertain significance (1 of 4 stars; one submission).

gnomAD v4.1: 1 of 1,612,286 alleles (0.000062%); highest among the groups gnomAD compares: Non-Finnish European, 0.000085%; no homozygotes.

Submission:

Ambry Genetics
Classification: Uncertain significance. Last evaluated: 2025-08-19. Review status: criteria provided, single submitter. Criteria: Ambry Variant Classification Scheme 2023. Collection method: clinical testing. Allele origin: germline.
Comment: The p.H365L variant (also known as c.1094A>T), located in coding exon 2 of the CDK12 gene, results from an A to T substitution at nucleotide position 1094. The histidine at codon 365 is replaced by leucine, an amino acid with similar properties. This amino acid position is conserved. In addition, the in silico prediction for this alteration is inconclusive. Based on the available evidence, the clinical significance of this variant remains unclear.

NM_016507.4(CDK12):c.1094A>T (p.His365Leu)

Gene: CDK12 (cyclin dependent kinase 12; plus strand). Cytogenetic location: 17q12.
Variant type: single nucleotide variant.
Coding change: c.1094A>T on transcript NM_016507.4 (MANE Select); coding-DNA position 1094, A replaced by T.
Protein change: p.His365Leu; replaces histidine 365 with leucine.
Molecular consequence: missense variant.
Genome position (GRCh38, 1-based): chr17:39,470,926, A>T. VCF-style: chr17-39470926-A-T. GRCh37 (hg19) VCF-style: chr17-37627179-A-T.
Other names: c.1094A>T, p.His365Leu (NM_015083.4); short protein forms H365L.
Identifiers: ClinVar variation 4224394 (VCV004224394.1).
Genomic context (GRCh38, chr17:39,470,926, plus strand): 5'-TTTATTTTTCCAGTAGGAAATCCATGAAGTCCAGAAGTAGAAGTCCTGCATATTCAAGAC[A>T]TTCATCTTCTCATAGTAAAAAGAAGAGATCCAGTTCACGCAGTCGTCATTCCAGTATCTC-3'
Protein context (NP_057591.2, residues 355-375): SRSRSPAYSR[His365Leu]SSSHSKKKRS